The following is an entry in ClinVar:

NM_054012.4(ASS1):c.53C>T (p.Ser18Leu)

Gene: ASS1 (argininosuccinate synthase 1; plus strand). Cytogenetic location: 9q34.11.
Variant type: single nucleotide variant.
Coding change: c.53C>T on transcript NM_054012.4 (MANE Select); coding-DNA position 53, C replaced by T.
Protein change: p.Ser18Leu; replaces serine 18 with leucine.
Molecular consequence: missense variant.
Genome position (GRCh38, 1-based): chr9:130,452,281, C>T. VCF-style: chr9-130452281-C-T. GRCh37 (hg19) VCF-style: chr9-133327668-C-T.
Other names: c.53C>T, p.Ser18Leu (NM_000050.4); short protein forms S18L.
Identifiers: ClinVar variation 6331 (VCV000006331.13), dbSNP rs121908643, ClinGen allele CA253836.

ClinVar aggregate classification (germline): Pathogenic/Likely pathogenic. Review status: criteria provided, multiple submitters, no conflicts (2 of 4 stars). 6 submissions from 6 submitters: Pathogenic (1); Likely pathogenic (2). 3 of the submissions do not count toward it. Last evaluated 2025-09-30.

Conditions:
Citrullinemia. Identifiers: Orphanet 187, MedGen C0175683, MONDO:0015991.
ASS1-related disorder. Also called: ASS1-related condition.
Citrullinemia type I (CTNL1). Also called: ASS DEFICIENCY; argininosuccinate synthetase deficiency. Identifiers: Orphanet 247525, MedGen C4721769, MONDO:0008988, OMIM 215700.

Allele frequency attached by ClinVar (database versions not stated): ExAC 0.00002; TOPMed 0.00002; gnomAD 0.00001; gnomAD exomes 0.00001.
gnomAD v4.1: 10 of 1,614,032 alleles (0.00062%); highest among the groups gnomAD compares: Admixed American, 0.0033%; no homozygotes.

Submissions (6):

Natera, Inc.
Classification: Likely pathogenic for Citrullinemia type I. Last evaluated: 2025-09-30. Review status: criteria provided, single submitter. Criteria: Natera Variant Classification Schema (03/2026). Collection method: clinical testing. Allele origin: germline.
Comment: The c.53C>T variant in ASS1 is a missense variant predicted to cause substitution of serine to leucine at amino acid 18. This variant is rare in the general population with a frequency below the threshold expected for the associated phenotype(s). This variant has been observed in one or more individuals affected with the associated recessive disease, as either homozygous or compound heterozygous with a second variant (PMID: 7977368, 31208364). Computational prediction algorithms indicate this variant is likely to affect gene or protein function. Given the available evidence, this variant is classified as Likely Pathogenic.

Fulgent Genetics
Classification: Likely pathogenic for Citrullinemia type I. Last evaluated: 2024-05-01. Review status: criteria provided, single submitter. Criteria: ACMG Guidelines, 2015. Collection method: clinical testing. Allele origin: germline.

Labcorp Genetics (formerly Invitae), Labcorp
Classification: Pathogenic for Citrullinemia. Last evaluated: 2024-03-13. Review status: criteria provided, single submitter. Criteria: Invitae Variant Classification Sherloc (09022015). Collection method: clinical testing. Allele origin: germline.
Comment: This sequence change replaces serine, which is neutral and polar, with leucine, which is neutral and non-polar, at codon 18 of the ASS1 protein (p.Ser18Leu). This variant is present in population databases (rs121908643, gnomAD 0.006%). This missense change has been observed in individual(s) with clinical features of ASS1-related conditions (PMID: 1943692, 31208364; Invitae). ClinVar contains an entry for this variant (Variation ID: 6331). Advanced modeling of protein sequence and biophysical properties (such as structural, functional, and spatial information, amino acid conservation, physicochemical variation, residue mobility, and thermodynamic stability) performed at Invitae indicates that this missense variant is expected to disrupt ASS1 protein function with a positive predictive value of 80%. For these reasons, this variant has been classified as Pathogenic.

PreventionGenetics, part of Exact Sciences
Classification: Likely pathogenic for ASS1-related condition. Last evaluated: 2024-05-23. Review status: no assertion criteria provided. Collection method: clinical testing. Allele origin: germline. Not counted in ClinVar's aggregate classification.
Comment: The ASS1 c.53C>T variant is predicted to result in the amino acid substitution p.Ser18Leu. This variant was reported in the compound heterozygous state in individuals with citrullinemia (Kobayashi et al. 1991. PubMed ID: 1943692; Lin et al. 2019. PubMed ID: 31208364). This variant is reported in 0.0054% of alleles in individuals of East Asian descent in gnomAD and is interpreted as pathogenic or likely pathogenic by most of the submitters in ClinVar. This variant is interpreted as likely pathogenic.

Counsyl
Classification: Uncertain significance for Citrullinemia type I. Last evaluated: 2017-06-13. Review status: no assertion criteria provided. Collection method: clinical testing. Allele origin: unknown. Not counted in ClinVar's aggregate classification.

OMIM
Classification: Pathogenic for CITRULLINEMIA, CLASSIC. Last evaluated: 1991-02-01. Review status: no assertion criteria provided. Collection method: literature only. Allele origin: germline. Not counted in ClinVar's aggregate classification.

Literature cited by the submitters: PubMed 7977368 (cited by Natera, Inc.); PubMed 31208364 (cited by Natera, Inc. and Labcorp Genetics (formerly Invitae), Labcorp); PubMed 1943692 (cited by 3 submitters).